The following is an entry in ClinVar:

ClinVar aggregate classification (germline): Uncertain significance. Review status: criteria provided, multiple submitters, no conflicts (2 of 4 stars). 2 submissions from 2 submitters: Uncertain significance (2). Last evaluated 2026-02-20.

Conditions:
Inborn genetic diseases. Identifiers: MedGen C0950123, MeSH D030342.
Lymphatic malformation 6 (LMPHM6). Also called: GENERALIZED LYMPHATIC DYSPLASIA OF FOTIOU; Lymphedema, hereditary, III; PIEZO1-related generalized lymphatic dysplasia with non-immune hydrops fetalis. Identifiers: Orphanet 568062, MedGen C4225184, MONDO:0014797, OMIM 616843.

gnomAD v4.1: 31 of 1,535,672 alleles (0.002%); highest among the groups gnomAD compares: Middle Eastern, 0.05%; no homozygotes.

Submissions (2):

Clinical Genomics Laboratory, Washington University in St. Louis
Classification: Uncertain significance for Lymphatic malformation 6. Last evaluated: 2026-02-20. Review status: criteria provided, single submitter. Criteria: ACMG Guidelines, 2015. Collection method: clinical testing. Allele origin: germline.
Comment: A PIEZO1 c.914A>G (p.Asn305Ser) variant was identified at a near heterozygous allelic fraction of 43.7%, a frequency which may be consistent with germline origin. This variant, to our knowledge, has not been reported in the medical literature but has been reported in the ClinVar database as a germline variant of uncertain significance by one submitter (ClinVar Variation ID: 3306431). It is only observed on 31/1,535,672 alleles in the general population (gnomAD v4.1.0), indicating it is not a common variant. Computational predictors suggest that the variant does not impact PIEZO1 function. Due to limited information, and based on ACMG/AMP guidelines for variant interpretation (Richards S et al., PMID: 25741868), the clinical significance of this variant is uncertain at this time.

Ambry Genetics
Classification: Uncertain significance for Inborn genetic diseases. Last evaluated: 2024-05-10. Review status: criteria provided, single submitter. Criteria: Ambry Variant Classification Scheme 2023. Collection method: clinical testing. Allele origin: germline.

NM_001142864.4(PIEZO1):c.914A>G (p.Asn305Ser)

Genes: HSALR1 (HSP90AB1 associated lncRNA 1; plus strand), PIEZO1 (piezo type mechanosensitive ion channel component 1 (Er blood group); minus strand). Cytogenetic location: 16q24.3.
Variant type: single nucleotide variant.
Coding change: c.914A>G on transcript NM_001142864.4 (MANE Select); coding-DNA position 914, A replaced by G.
Protein change: p.Asn305Ser; replaces asparagine 305 with serine.
Molecular consequence: missense variant. On other transcripts: non-coding transcript variant (1).
Genome position (GRCh38, 1-based): chr16:88,738,040, T>C on the plus strand (A>G on the coding strand, the complement: PIEZO1 is on the minus strand). VCF-style: chr16-88738040-T-C. GRCh37 (hg19) VCF-style: chr16-88804448-T-C.
Other names: short protein forms N305S.
Identifiers: ClinVar variation 3306431 (VCV003306431.2).